The following is an entry in ClinVar:

ClinVar aggregate classification (germline): Benign/Likely benign. Review status: criteria provided, multiple submitters, no conflicts (2 of 4 stars). 2 submissions from 2 submitters: Benign (1); Likely benign (1). Last evaluated 2026-07-01.

Allele frequency attached by ClinVar (database versions not stated): 1000 Genomes Project 30x 0.00031; 1000 Genomes Project 0.00040; TOPMed 0.00244; gnomAD 0.00270 and 0.00271; ExAC 0.00274; gnomAD exomes 0.00277; ESP Exome Variant Server 0.00304.
gnomAD v4.1: 5,337 of 1,613,310 alleles (0.33%); highest among the groups gnomAD compares: Non-Finnish European, 0.37%; 22 homozygotes.

Submissions (2):

CeGaT Center for Human Genetics Tuebingen
Classification: Likely benign. Last evaluated: 2026-07-01. Review status: criteria provided, single submitter. Criteria: CeGaT Center For Human Genetics Tuebingen Variant Classification Criteria Version 2. Collection method: clinical testing. Allele origin: germline. Affected: yes. Observed: 1 variant allele.
Comment: MDGA2: BP4, BS2

Labcorp Genetics (formerly Invitae), Labcorp
Classification: Benign. Last evaluated: 2017-08-04. Review status: criteria provided, single submitter. Criteria: Invitae Variant Classification Sherloc (09022015). Collection method: clinical testing. Allele origin: germline.

NM_001113498.3(MDGA2):c.1107C>T (p.Ile369=)

Gene: MDGA2 (MAM domain containing glycosylphosphatidylinositol anchor 2; minus strand). Cytogenetic location: 14q21.3.
Variant type: single nucleotide variant.
Coding change: c.1107C>T on transcript NM_001113498.3 (MANE Select); coding-DNA position 1107, C replaced by T.
Protein change: p.Ile369=; no amino-acid change (isoleucine 369 retained).
Molecular consequence: synonymous variant. On other transcripts: non-coding transcript variant (1).
Genome position (GRCh38, 1-based): chr14:47,096,942, G>A on the plus strand (C>T on the coding strand, the complement: MDGA2 is on the minus strand). VCF-style: chr14-47096942-G-A. GRCh37 (hg19) VCF-style: chr14-47566145-G-A.
Other names: c.213C>T, p.Ile71= (NM_182830.4).
Identifiers: ClinVar variation 774712 (VCV000774712.4), dbSNP rs200459170, ClinGen allele CA7171651.